The following is an entry in ClinVar:

NM_015102.5(NPHP4):c.3385G>A (p.Val1129Met)

Gene: NPHP4 (nephrocystin 4; minus strand). Cytogenetic location: 1p36.31.
Variant type: single nucleotide variant.
Coding change: c.3385G>A on transcript NM_015102.5 (MANE Select); coding-DNA position 3385, G replaced by A.
Protein change: p.Val1129Met; replaces valine 1129 with methionine.
Molecular consequence: missense variant. On other transcripts: non-coding transcript variant (1).
Genome position (GRCh38, 1-based): chr1:5,867,827, C>T on the plus strand (G>A on the coding strand, the complement: NPHP4 is on the minus strand). VCF-style: chr1-5867827-C-T. GRCh37 (hg19) VCF-style: chr1-5927887-C-T.
Other names: p.Val1129Met; c.1846G>A, p.Val616Met (NM_001291593.2); c.1849G>A, p.Val617Met (NM_001291594.2); short protein forms V1129M, V617M, V616M.
Identifiers: ClinVar variation 289977 (VCV000289977.12), dbSNP rs372934556, ClinGen allele CA553632.

ClinVar aggregate classification (germline): Uncertain significance. Review status: criteria provided, multiple submitters, no conflicts (2 of 4 stars). 5 submissions from 5 submitters: Uncertain significance (5). Last evaluated 2026-08-20.

Conditions:
Nephronophthisis. Also called: Juvenile Nephronophthisis. Identifiers: Orphanet 655, MedGen C0687120, MONDO:0019005, HP:0000090.
NPHP4-related disorder. Also called: NPHP4-related disorders; NPHP4-related condition. Identifiers: MedGen CN239384.
Senior-Loken syndrome 4 (SLSN4). Identifiers: Orphanet 3156, MedGen C1846979, MONDO:0011756, OMIM 606996.
Nephronophthisis 4 (NPHP4). Also called: NEPHRONOPHTHISIS 4, JUVENILE. Identifiers: Orphanet 655, MedGen C1847013, MONDO:0011752, OMIM 606966.

Allele frequency attached by ClinVar (database versions not stated): gnomAD exomes 0.00002 and 0.00006; ExAC 0.00007; 1000 Genomes Project 30x 0.00016; ESP Exome Variant Server 0.00016; 1000 Genomes Project 0.00020; TOPMed 0.00021; gnomAD 0.00025 and 0.00026.
gnomAD v4.1: 72 of 1,613,662 alleles (0.0045%); highest among the groups gnomAD compares: African/African-American, 0.071%; no homozygotes.

Submissions (5):

PreventionGenetics, part of Exact Sciences
Classification: Uncertain significance for NPHP4-related condition. Last evaluated: 2026-08-20. Review status: criteria provided, single submitter. Criteria: ACMG Guidelines, 2015. Collection method: clinical testing. Allele origin: germline.
Comment: The NPHP4 c.3385G>A variant is predicted to result in the amino acid substitution p.Val1129Met. To our knowledge, this variant has not been reported in the literature in individuals with NPHP4-related disorders. This variant is reported in 0.079% of alleles in individuals of African descent in gnomAD, which may be too frequent to be a primary cause of disease. Although we suspect that this variant may be benign, the clinical significance of this variant is classified as uncertain at this time due to insufficient functional and genetic evidence.

Mayo Clinic Laboratories, Mayo Clinic
Classification: Uncertain significance. Last evaluated: 2025-10-07. Review status: criteria provided, single submitter. Criteria: ACMG Guidelines, 2015. Collection method: clinical testing. Allele origin: germline. Observed: 2 variant alleles.
Comment: BP4, PM2_supporting

Fulgent Genetics
Classification: Uncertain significance for Nephronophthisis 4; Senior-Loken syndrome 4. Last evaluated: 2024-05-23. Review status: criteria provided, single submitter. Criteria: ACMG Guidelines, 2015. Collection method: clinical testing. Allele origin: germline.

Labcorp Genetics (formerly Invitae), Labcorp
Classification: Uncertain significance for Nephronophthisis. Last evaluated: 2022-10-13. Review status: criteria provided, single submitter. Criteria: Invitae Variant Classification Sherloc (09022015). Collection method: clinical testing. Allele origin: germline.
Comment: This sequence change replaces valine, which is neutral and non-polar, with methionine, which is neutral and non-polar, at codon 1129 of the NPHP4 protein (p.Val1129Met). This variant is present in population databases (rs372934556, gnomAD 0.07%). This variant has not been reported in the literature in individuals affected with NPHP4-related conditions. ClinVar contains an entry for this variant (Variation ID: 289977). Algorithms developed to predict the effect of missense changes on protein structure and function output the following: SIFT: "Deleterious"; PolyPhen-2: "Benign"; Align-GVGD: "Class C0". The methionine amino acid residue is found in multiple mammalian species, which suggests that this missense change does not adversely affect protein function. In summary, the available evidence is currently insufficient to determine the role of this variant in disease. Therefore, it has been classified as a Variant of Uncertain Significance.

Eurofins Ntd Llc (ga)
Classification: Uncertain significance. Last evaluated: 2018-02-06. Review status: criteria provided, single submitter. Criteria: EGL Classification Definitions 2015. Collection method: clinical testing. Allele origin: germline. Observed: 4 variant alleles, 4 heterozygotes.